The following is an entry in ClinVar:

NM_006343.3(MERTK):c.2151G>C (p.Arg717Ser)

Gene: MERTK (MER proto-oncogene, tyrosine kinase; plus strand). Cytogenetic location: 2q13.
Variant type: single nucleotide variant.
Coding change: c.2151G>C on transcript NM_006343.3 (MANE Select); coding-DNA position 2151, G replaced by C.
Protein change: p.Arg717Ser; replaces arginine 717 with serine.
Molecular consequence: missense variant.
Genome position (GRCh38, 1-based): chr2:112,019,484, G>C. VCF-style: chr2-112019484-G-C. GRCh37 (hg19) VCF-style: chr2-112777061-G-C.
Other names: short protein forms R717S.
Identifiers: ClinVar variation 2091836 (VCV002091836.5), dbSNP rs1171872873, ClinGen allele CA348236803.

ClinVar aggregate classification (germline): Uncertain significance. Review status: criteria provided, multiple submitters, no conflicts (2 of 4 stars). 2 submissions from 2 submitters: Uncertain significance (2). Last evaluated 2024-03-22.

Allele frequency attached by ClinVar (database versions not stated): gnomAD 0.00001.
gnomAD v4.1: 3 of 1,613,834 alleles (0.00019%); highest among the groups gnomAD compares: Non-Finnish European, 0.00025%; no homozygotes.

Submissions (2):

Blueprint Genetics
Classification: Uncertain significance. Last evaluated: 2024-03-22. Review status: criteria provided, single submitter. Criteria: ACMG Guidelines, 2015. Collection method: clinical testing. Allele origin: germline.

Labcorp Genetics (formerly Invitae), Labcorp
Classification: Uncertain significance. Last evaluated: 2022-02-02. Review status: criteria provided, single submitter. Criteria: Invitae Variant Classification Sherloc (09022015). Collection method: clinical testing. Allele origin: germline.
Comment: In summary, the available evidence is currently insufficient to determine the role of this variant in disease. Therefore, it has been classified as a Variant of Uncertain Significance. Algorithms developed to predict the effect of missense changes on protein structure and function (SIFT, PolyPhen-2, Align-GVGD) all suggest that this variant is likely to be disruptive. This variant has not been reported in the literature in individuals affected with MERTK-related conditions. This variant is not present in population databases (gnomAD no frequency). This sequence change replaces arginine, which is basic and polar, with serine, which is neutral and polar, at codon 717 of the MERTK protein (p.Arg717Ser).